The following is an entry in ClinVar:

NM_198859.4(PRICKLE2):c.607T>C (p.Phe203Leu)

Gene: PRICKLE2 (prickle planar cell polarity protein 2; minus strand). Cytogenetic location: 3p14.1.
Variant type: single nucleotide variant.
Coding change: c.607T>C on transcript NM_198859.4 (MANE Select); coding-DNA position 607, T replaced by C.
Protein change: p.Phe203Leu; replaces phenylalanine 203 with leucine.
Molecular consequence: missense variant.
Genome position (GRCh38, 1-based): chr3:64,153,362, A>G on the plus strand (T>C on the coding strand, the complement: PRICKLE2 is on the minus strand). VCF-style: chr3-64153362-A-G. GRCh37 (hg19) VCF-style: chr3-64139038-A-G.
Other names: c.607T>C, p.Phe203Leu (NM_001370528.1); short protein forms F203L.
Identifiers: ClinVar variation 2834353 (VCV002834353.3), dbSNP rs2471167075, ClinGen allele CA353434090.

ClinVar aggregate classification (germline): Uncertain significance (1 of 4 stars; one submission).

Conditions:
Progressive myoclonic epilepsy type 5. Identifiers: Orphanet 402082, MedGen C5190799.

Submission:

Labcorp Genetics (formerly Invitae), Labcorp
Classification: Uncertain significance for Progressive myoclonic epilepsy type 5. Last evaluated: 2023-06-23. Review status: criteria provided, single submitter. Criteria: Invitae Variant Classification Sherloc (09022015). Collection method: clinical testing. Allele origin: germline.
Comment: In summary, the available evidence is currently insufficient to determine the role of this variant in disease. Therefore, it has been classified as a Variant of Uncertain Significance. This variant is not present in population databases (gnomAD no frequency). Advanced modeling of protein sequence and biophysical properties (such as structural, functional, and spatial information, amino acid conservation, physicochemical variation, residue mobility, and thermodynamic stability) performed at Invitae indicates that this missense variant is not expected to disrupt PRICKLE2 protein function. This variant has not been reported in the literature in individuals affected with PRICKLE2-related conditions. This sequence change replaces phenylalanine, which is neutral and non-polar, with leucine, which is neutral and non-polar, at codon 203 of the PRICKLE2 protein (p.Phe203Leu).